The following is an entry in ClinVar:

ClinVar aggregate classification (germline): Uncertain significance (0 of 4 stars; one submission).

Conditions:
Angelman syndrome (AS). Also called: HAPPY PUPPET SYNDROME. Identifiers: Orphanet 72, MedGen C0162635, MONDO:0007113, OMIM 105830. Disease mechanism: loss of function. Inheritance: AS is caused by disruption of maternally imprinted UBE3A located within the 15q11.2-q13 Angelman syndrome/Prader-Willi syndrome (AS/PWS) region., imprinting disorder.

Submission:

Baylor Genetics
Classification: Uncertain significance for Angelman syndrome. Last evaluated: 2014-02-14. Review status: no assertion criteria provided. Collection method: clinical testing. Allele origin: paternal. Affected: yes. Observed: 1 variant allele. Study: UBE3A Mutation Study.
Comment: possible diagnosis of Angelman syndrome

Data collected from clinical UBE3A sequence analysis results

Literature cited by the submitters: PubMed 25212744.

NM_130839.5(UBE3A):c.2091T>C (p.Gly697=)

Genes: SNHG14 (small nucleolar RNA host gene 14; plus strand), UBE3A (ubiquitin protein ligase E3A; minus strand). Cytogenetic location: 15q11.2.
Variant type: single nucleotide variant.
Coding change: c.2091T>C on transcript NM_130839.5 (MANE Select); coding-DNA position 2091, T replaced by C.
Protein change: p.Gly697=; no amino-acid change (glycine 697 retained).
Molecular consequence: synonymous variant. On other transcripts: non-coding transcript variant (1), intron variant (1).
Genome position (GRCh38, 1-based): chr15:25,355,925, A>G on the plus strand (T>C on the coding strand, the complement: UBE3A is on the minus strand). VCF-style: chr15-25355925-A-G. GRCh37 (hg19) VCF-style: chr15-25601072-A-G.
Other names: c.2100T>C, p.Gly700= (NM_000462.5); c.2091T>C, p.Gly697= (NM_001354505.1, NM_001354538.2, NM_001354545.2); c.2031T>C, p.Gly677= (NM_001354506.2, NM_001354507.2, NM_001354508.2 and 16 more transcripts); c.1914T>C, p.Gly638= (NM_001354546.2); c.840T>C, p.Gly280= (NM_001354550.2); c.780T>C, p.Gly260= (NM_001354551.2); c.1899+766T>C (NM_001354549.2).
Identifiers: ClinVar variation 156143 (VCV000156143.1), dbSNP rs587782924, ClinGen allele CA333449.